The following is an entry in ClinVar:

ClinVar aggregate classification (germline): Likely pathogenic. Review status: criteria provided, multiple submitters, no conflicts (2 of 4 stars). 2 submissions from 2 submitters: Likely pathogenic (2). Last evaluated 2024-08-19.

Conditions:
LFNG-related disorders.
Spondylocostal dysostosis 3, autosomal recessive (SCDO3). Also called: LFNG-Related Spondylocostal Dysostosis, Autosomal Recessive. Identifiers: Orphanet 2311, MedGen C1853296, MONDO:0012349, OMIM 609813.

Allele frequency attached by ClinVar (database versions not stated): gnomAD exomes below 0.00001.

Submissions (2):

Blueprint Genetics
Classification: Likely pathogenic for LFNG-related disorders. Last evaluated: 2024-08-19. Review status: criteria provided, single submitter. Criteria: ACMG Guidelines, 2015. Collection method: clinical testing. Allele origin: germline. Affected: yes. Observed: 2 variant alleles.

Equipe Genetique des Anomalies du Developpement, Université de Bourgogne
Classification: Likely pathogenic for Spondylocostal dysostosis 3, autosomal recessive. Last evaluated: 2024-04-02. Review status: criteria provided, single submitter. Criteria: ACMG Guidelines, 2015. Collection method: clinical testing. Allele origin: maternal. Affected: yes.
Comment: Observed in trans of a CNV : seq [GRCh38] del(7)(7p22.3)pat chr7:2520202_2522926del

NM_001040167.2(LFNG):c.434C>T (p.Thr145Met)

Gene: LFNG (LFNG O-fucosylpeptide 3-beta-N-acetylglucosaminyltransferase; plus strand). Cytogenetic location: 7p22.3.
Variant type: single nucleotide variant.
Coding change: c.434C>T on transcript NM_001040167.2 (MANE Select); coding-DNA position 434, C replaced by T.
Protein change: p.Thr145Met; replaces threonine 145 with methionine.
Molecular consequence: missense variant.
Genome position (GRCh38, 1-based): chr7:2,524,696, C>T. VCF-style: chr7-2524696-C-T. GRCh37 (hg19) VCF-style: chr7-2564330-C-T.
Other names: c.434C>T, p.Thr145Met (NM_001040168.2); c.221C>T, p.Thr74Met (NM_001166355.2); c.47C>T, p.Thr16Met (NM_002304.3); short protein forms T145M, T16M, T74M.
Identifiers: ClinVar variation 3220895 (VCV003220895.2), dbSNP rs1413169361, ClinGen allele CA366615835.